The following is an entry in ClinVar:

NM_005076.5(CNTN2):c.886G>A (p.Val296Ile)

Gene: CNTN2 (contactin 2; plus strand). Cytogenetic location: 1q32.1.
Variant type: single nucleotide variant.
Coding change: c.886G>A on transcript NM_005076.5 (MANE Select); coding-DNA position 886, G replaced by A.
Protein change: p.Val296Ile; replaces valine 296 with isoleucine.
Molecular consequence: missense variant. On other transcripts: non-coding transcript variant (1).
Genome position (GRCh38, 1-based): chr1:205,061,333, G>A. VCF-style: chr1-205061333-G-A. GRCh37 (hg19) VCF-style: chr1-205030461-G-A.
Other names: c.886G>A, p.Val296Ile (NM_001346083.2); short protein forms V296I.
Identifiers: ClinVar variation 942325 (VCV000942325.10), dbSNP rs1187198906, ClinGen allele CA344409435.

ClinVar aggregate classification (germline): Uncertain significance. Review status: criteria provided, multiple submitters, no conflicts (2 of 4 stars). 2 submissions from 2 submitters: Uncertain significance (2). Last evaluated 2025-08-20.

Conditions:
Epilepsy, familial adult myoclonic, 5 (EPEO5). Also called: CORTICAL MYOCLONIC TREMOR WITH EPILEPSY, FAMILIAL, 5. Identifiers: Orphanet 86814, MedGen C3809374, MONDO:0014167, OMIM 615400.

Allele frequency attached by ClinVar (database versions not stated): gnomAD 0.00001; gnomAD exomes 0.00001; TOPMed 0.00001.

Submissions (2):

Ambry Genetics
Classification: Uncertain significance. Last evaluated: 2025-08-20. Review status: criteria provided, single submitter. Criteria: Ambry Variant Classification Scheme 2023. Collection method: clinical testing. Allele origin: germline.

Labcorp Genetics (formerly Invitae), Labcorp
Classification: Uncertain significance for Epilepsy, familial adult myoclonic, 5. Last evaluated: 2023-07-17. Review status: criteria provided, single submitter. Criteria: Invitae Variant Classification Sherloc (09022015). Collection method: clinical testing. Allele origin: germline.
Comment: This variant is present in population databases (no rsID available, gnomAD 0.003%). This sequence change replaces valine, which is neutral and non-polar, with isoleucine, which is neutral and non-polar, at codon 296 of the CNTN2 protein (p.Val296Ile). This variant has not been reported in the literature in individuals affected with CNTN2-related conditions. In summary, the available evidence is currently insufficient to determine the role of this variant in disease. Therefore, it has been classified as a Variant of Uncertain Significance. Advanced modeling of protein sequence and biophysical properties (such as structural, functional, and spatial information, amino acid conservation, physicochemical variation, residue mobility, and thermodynamic stability) performed at Invitae indicates that this missense variant is not expected to disrupt CNTN2 protein function. ClinVar contains an entry for this variant (Variation ID: 942325).